The following is an entry in ClinVar:

ClinVar aggregate classification (germline): Uncertain significance (1 of 4 stars; one submission).

Conditions:
Spastic paraplegia. Identifiers: MedGen C0037772, HP:0001258.

Allele frequency attached by ClinVar (database versions not stated): ExAC 0.00003; gnomAD 0.00003; TOPMed 0.00003; 1000 Genomes Project 30x 0.00016; 1000 Genomes Project 0.00020.

Submission:

Labcorp Genetics (formerly Invitae), Labcorp
Classification: Uncertain significance for Spastic paraplegia. Last evaluated: 2022-06-14. Review status: criteria provided, single submitter. Criteria: Invitae Variant Classification Sherloc (09022015). Collection method: clinical testing. Allele origin: germline.
Comment: This sequence change replaces methionine, which is neutral and non-polar, with valine, which is neutral and non-polar, at codon 1553 of the ZFYVE26 protein (p.Met1553Val). This variant is present in population databases (rs201227716, gnomAD 0.006%). This variant has not been reported in the literature in individuals affected with ZFYVE26-related conditions. Algorithms developed to predict the effect of missense changes on protein structure and function output the following: SIFT: "Tolerated"; PolyPhen-2: "Benign"; Align-GVGD: "Class C0". The valine amino acid residue is found in multiple mammalian species, which suggests that this missense change does not adversely affect protein function. Algorithms developed to predict the effect of sequence changes on RNA splicing suggest that this variant may create or strengthen a splice site. In summary, the available evidence is currently insufficient to determine the role of this variant in disease. Therefore, it has been classified as a Variant of Uncertain Significance.

NM_015346.4(ZFYVE26):c.4657A>G (p.Met1553Val)

Gene: ZFYVE26 (zinc finger FYVE-type containing 26; minus strand). Cytogenetic location: 14q24.1.
Variant type: single nucleotide variant.
Coding change: c.4657A>G on transcript NM_015346.4 (MANE Select); coding-DNA position 4657, A replaced by G.
Protein change: p.Met1553Val; replaces methionine 1553 with valine.
Molecular consequence: missense variant.
Genome position (GRCh38, 1-based): chr14:67,780,258, T>C on the plus strand (A>G on the coding strand, the complement: ZFYVE26 is on the minus strand). VCF-style: chr14-67780258-T-C. GRCh37 (hg19) VCF-style: chr14-68246975-T-C.
Other names: short protein forms M1553V.
Identifiers: ClinVar variation 2199059 (VCV002199059.1), dbSNP rs201227716, ClinGen allele CA7239706.